The following is an entry in ClinVar:

NM_004360.5(CDH1):c.520A>G (p.Asn174Asp)

Gene: CDH1 (cadherin 1; plus strand). Cytogenetic location: 16q22.1.
Variant type: single nucleotide variant.
Coding change: c.520A>G on transcript NM_004360.5 (MANE Select); coding-DNA position 520, A replaced by G.
Protein change: p.Asn174Asp; replaces asparagine 174 with aspartic acid.
Molecular consequence: missense variant. On other transcripts: 5 prime UTR variant (2).
Genome position (GRCh38, 1-based): chr16:68,808,556, A>G. VCF-style: chr16-68808556-A-G. GRCh37 (hg19) VCF-style: chr16-68842459-A-G.
Other names: c.520A>G, p.Asn174Asp (NM_001317184.2); c.-1096A>G (NM_001317185.2); c.-1300A>G (NM_001317186.2); short protein forms N174D.
Identifiers: ClinVar variation 1026369 (VCV001026369.8), dbSNP rs1960730617, ClinGen allele CA396457801.

ClinVar aggregate classification (germline): Uncertain significance (1 of 4 stars; one submission).

Conditions:
Hereditary diffuse gastric adenocarcinoma (HDGC). Also called: DIFFUSE GASTRIC AND LOBULAR BREAST CANCER SYNDROME. Identifiers: Orphanet 26106, MedGen C1708349, MONDO:0007648, OMIM 137215.

Submission:

Labcorp Genetics (formerly Invitae), Labcorp
Classification: Uncertain significance for Hereditary diffuse gastric adenocarcinoma. Last evaluated: 2020-04-21. Review status: criteria provided, single submitter. Criteria: Invitae Variant Classification Sherloc (09022015). Collection method: clinical testing. Allele origin: germline.
Comment: This sequence change replaces asparagine with aspartic acid at codon 174 of the CDH1 protein (p.Asn174Asp). The asparagine residue is moderately conserved and there is a small physicochemical difference between asparagine and aspartic acid. This variant is not present in population databases (ExAC no frequency). This variant has not been reported in the literature in individuals with CDH1-related conditions. Algorithms developed to predict the effect of missense changes on protein structure and function output the following: SIFT: "Tolerated"; PolyPhen-2: "Benign"; Align-GVGD: "Class C0". The aspartic acid amino acid residue is found in multiple mammalian species, suggesting that this missense change does not adversely affect protein function. These predictions have not been confirmed by published functional studies and their clinical significance is uncertain. In summary, the available evidence is currently insufficient to determine the role of this variant in disease. Therefore, it has been classified as a Variant of Uncertain Significance.